The following is an entry in ClinVar:

ClinVar aggregate classification (germline): Uncertain significance (1 of 4 stars; one submission).

Conditions:
KIDINS220-related disorder. Also called: KIDINS220-related condition.

gnomAD v4.1: 2 of 1,612,576 alleles (0.00012%); highest among the groups gnomAD compares: Admixed American, 0.0033%; no homozygotes.

Submission:

PreventionGenetics, part of Exact Sciences
Classification: Uncertain significance for KIDINS220-related condition. Last evaluated: 2026-06-10. Review status: criteria provided, single submitter. Criteria: ACMG Guidelines, 2015. Collection method: clinical testing. Allele origin: germline.
Comment: The KIDINS220 c.4046G>C variant is predicted to result in the amino acid substitution p.Ser1349Thr. To our knowledge, this variant has not been reported in the literature. This variant is reported in 0.0058% of alleles in individuals of Latino descent in gnomAD. At this time, the clinical significance of this variant is uncertain due to the absence of conclusive functional and genetic evidence.

NM_020738.4(KIDINS220):c.4046G>C (p.Ser1349Thr)

Gene: KIDINS220 (kinase D interacting substrate 220; minus strand). Cytogenetic location: 2p25.1.
Variant type: single nucleotide variant.
Coding change: c.4046G>C on transcript NM_020738.4 (MANE Select); coding-DNA position 4046, G replaced by C.
Protein change: p.Ser1349Thr; replaces serine 1349 with threonine.
Molecular consequence: missense variant. On other transcripts: non-coding transcript variant (2).
Genome position (GRCh38, 1-based): chr2:8,733,451, C>G on the plus strand (G>C on the coding strand, the complement: KIDINS220 is on the minus strand). VCF-style: chr2-8733451-C-G. GRCh37 (hg19) VCF-style: chr2-8873581-C-G.
Other names: c.4049G>C, p.Ser1350Thr (NM_001348729.2); c.3992G>C, p.Ser1331Thr (NM_001348731.2); c.3989G>C, p.Ser1330Thr (NM_001348732.2, NM_001348738.2); c.3878G>C, p.Ser1293Thr (NM_001348734.2, NM_001348739.2, NM_001348740.2); c.3875G>C, p.Ser1292Thr (NM_001348735.2, NM_001348741.2, NM_001348742.2 and 1 more transcripts); c.3749G>C, p.Ser1250Thr (NM_001348736.2); short protein forms S1293T, S1330T, S1331T, S1250T, S1292T, S1349T, S1350T.
Identifiers: ClinVar variation 4987985 (VCV004987985.1).